The following is an entry in ClinVar:

ClinVar aggregate classification (germline): Pathogenic. Review status: criteria provided, multiple submitters, no conflicts (2 of 4 stars). 3 submissions from 3 submitters: Pathogenic (2). 1 of the submissions does not count toward it. Last evaluated 2025-11-10.

Conditions:
Anterior segment dysgenesis 8 (ASGD8). Identifiers: Orphanet 519388, MedGen C4310622, MONDO:0015017, OMIM 617319.

Submissions (3):

Labcorp Genetics (formerly Invitae), Labcorp
Classification: Pathogenic. Last evaluated: 2025-11-10. Review status: criteria provided, single submitter. Criteria: Invitae Variant Classification Sherloc (09022015). Collection method: clinical testing. Allele origin: germline.
Comment: This sequence change creates a premature translational stop signal (p.Arg785Glnfs*23) in the CPAMD8 gene. It is expected to result in an absent or disrupted protein product. Loss-of-function variants in CPAMD8 are known to be pathogenic (PMID: 27839872, 29556725). The frequency data for this variant in the population databases is considered unreliable, as metrics indicate poor data quality at this position in the gnomAD database. This premature translational stop signal has been observed in individual(s) with anterior segment dysgeneses (PMID: 27839872). ClinVar contains an entry for this variant (Variation ID: 375310). For these reasons, this variant has been classified as Pathogenic.

GeneDx
Classification: Pathogenic. Last evaluated: 2022-11-25. Review status: criteria provided, single submitter. Criteria: GeneDx Variant Classification Process June 2021. Collection method: clinical testing. Allele origin: germline. Affected: yes.
Comment: Frameshift variant predicted to result in protein truncation or nonsense mediated decay in a gene for which loss of function is a known mechanism of disease; This variant is associated with the following publications: (PMID: 28683140, 27839872, 32085876)

OMIM
Classification: Pathogenic for ANTERIOR SEGMENT DYSGENESIS 8. Last evaluated: 2019-12-18. Review status: no assertion criteria provided. Collection method: literature only. Allele origin: germline. Not counted in ClinVar's aggregate classification.

Literature cited by the submitters: PubMed 27839872 (cited by Labcorp Genetics (formerly Invitae), Labcorp and OMIM); PubMed 29556725 (cited by Labcorp Genetics (formerly Invitae), Labcorp).

NM_015692.5(CPAMD8):c.2211dup (p.Arg738fs)

Gene: CPAMD8 (C3 and PZP like alpha-2-macroglobulin domain containing 8; minus strand). Cytogenetic location: 19p13.11.
Variant type: Duplication.
Coding change: c.2211dup on transcript NM_015692.5 (MANE Select); coding-DNA position 2211, one base duplicated (C; older notation c.2211dupC).
Protein change: p.Arg738fs; shifts the reading frame from arginine 738.
Molecular consequence: frameshift variant.
Genome position (GRCh38, 1-based): chr19:16,970,893, G duplicated on the plus strand (C on the coding strand, the reverse complement: CPAMD8 is on the minus strand); the first of 7 consecutive G bases (chr19:16,970,893-16,970,899); duplicating any one gives the same sequence. VCF-style (leftmost placement, unchanged base first): chr19-16970892-T-TG. GRCh37 (hg19) VCF-style: chr19-17081702-T-TG.
Other names: c.2352dup (NM_015692.2); short protein forms R738fs.
Identifiers: ClinVar variation 375310 (VCV000375310.6), dbSNP rs756064750, ClinGen allele CA9285396.
Genomic context (GRCh38, chr19:16,970,892, plus strand): 5'-AGCCCCAGATGTTAATAGGACCAGGGTTAGAAAACCTTGCTCAATGTATAAGCCGTTACC[T>TG]GGGGGGGTGCCTGGAAGGAGCCACTGCCACCAGGCTCCCTGTGTGGGGCTGGAAAGCGGG-3'